The following is an entry in ClinVar:

NM_014797.3(ZBTB24):c.860A>G (p.Lys287Arg)

Gene: ZBTB24 (zinc finger and BTB domain containing 24; minus strand). Cytogenetic location: 6q21.
Variant type: single nucleotide variant.
Coding change: c.860A>G on transcript NM_014797.3 (MANE Select); coding-DNA position 860, A replaced by G.
Protein change: p.Lys287Arg; replaces lysine 287 with arginine.
Molecular consequence: missense variant.
Genome position (GRCh38, 1-based): chr6:109,481,167, T>C on the plus strand (A>G on the coding strand, the complement: ZBTB24 is on the minus strand). VCF-style: chr6-109481167-T-C. GRCh37 (hg19) VCF-style: chr6-109802370-T-C.
Other names: c.860A>G, p.Lys287Arg (NM_001164313.2); short protein forms K287R.
Identifiers: ClinVar variation 539532 (VCV000539532.8), dbSNP rs1456427014, ClinGen allele CA365207754.
Genomic context (GRCh38, chr6:109,481,167, plus strand): 5'-TGATTGTACTTAAAGACCTTGCCACAGTCTTTACAGCGGGCCTCAGGGCCTCCAGGGCGC[T>C]TTCTCCTTCCACAGATCCTCTTGGCTGAACCATGGTCCTCTTGATCCCCAACAAGTTTGT-3'
Protein context (NP_055612.2, residues 277-297): GSAKRICGRR[Lys287Arg]RPGGPEARCK

ClinVar aggregate classification (germline): Uncertain significance (1 of 4 stars; one submission).

Conditions:
Immunodeficiency-centromeric instability-facial anomalies syndrome 2 (ICF2). Identifiers: Orphanet 2268, MedGen C3279748, MONDO:0013553, OMIM 614069.

Allele frequency attached by ClinVar (database versions not stated): gnomAD exomes 0.00001; gnomAD 0.00002; TOPMed 0.00002.
gnomAD v4.1: 19 of 1,614,110 alleles (0.0012%); highest among the groups gnomAD compares: Middle Eastern, 0.066%; 1 homozygote.

Submission:

Labcorp Genetics (formerly Invitae), Labcorp
Classification: Uncertain significance for Immunodeficiency-centromeric instability-facial anomalies syndrome 2. Last evaluated: 2022-09-07. Review status: criteria provided, single submitter. Criteria: Invitae Variant Classification Sherloc (09022015). Collection method: clinical testing. Allele origin: germline.
Comment: This sequence change replaces lysine, which is basic and polar, with arginine, which is basic and polar, at codon 287 of the ZBTB24 protein (p.Lys287Arg). This variant is present in population databases (no rsID available, gnomAD 0.008%). This variant has not been reported in the literature in individuals affected with ZBTB24-related conditions. ClinVar contains an entry for this variant (Variation ID: 539532). Algorithms developed to predict the effect of missense changes on protein structure and function output the following: SIFT: "Not Available"; PolyPhen-2: "Benign"; Align-GVGD: "Not Available". The arginine amino acid residue is found in multiple mammalian species, which suggests that this missense change does not adversely affect protein function. In summary, the available evidence is currently insufficient to determine the role of this variant in disease. Therefore, it has been classified as a Variant of Uncertain Significance.